The following is an entry in ClinVar:

ClinVar aggregate classification (germline): Pathogenic (1 of 4 stars; one submission).

gnomAD v4.1: 1 of 1,439,720 alleles (0.000069%); highest among the groups gnomAD compares: Non-Finnish European, 0.000091%; no homozygotes.

Submission:

Labcorp Genetics (formerly Invitae), Labcorp
Classification: Pathogenic. Last evaluated: 2022-09-17. Review status: criteria provided, single submitter. Criteria: Invitae Variant Classification Sherloc (09022015). Collection method: clinical testing. Allele origin: germline.
Comment: This sequence change creates a premature translational stop signal (p.Tyr32*) in the CIB1 gene. It is expected to result in an absent or disrupted protein product. Loss-of-function variants in CIB1 are known to be pathogenic (PMID: 30068544). This variant is not present in population databases (gnomAD no frequency). This variant has not been reported in the literature in individuals affected with CIB1-related conditions. Algorithms developed to predict the effect of sequence changes on RNA splicing suggest that this variant may disrupt the consensus splice site. For these reasons, this variant has been classified as Pathogenic.

Literature cited by the submitters: PubMed 30068544.

NM_006384.4(CIB1):c.87-111C>G

Gene: CIB1 (calcium and integrin binding 1; minus strand). Cytogenetic location: 15q26.1.
Variant type: single nucleotide variant.
Coding change: c.87-111C>G on transcript NM_006384.4 (MANE Select); 111 bases into the intron before coding-DNA position 87, C replaced by G.
Molecular consequence: intron variant. On other transcripts: nonsense (1).
Genome position (GRCh38, 1-based): chr15:90,232,438, G>C on the plus strand (C>G on the coding strand, the complement: CIB1 is on the minus strand). VCF-style: chr15-90232438-G-C. GRCh37 (hg19) VCF-style: chr15-90775670-G-C.
Other names: c.96C>G, p.Tyr32Ter (NM_001277764.2); short protein forms Y32*.
Identifiers: ClinVar variation 1918754 (VCV001918754.5), dbSNP rs1022917223, ClinGen allele CA393816576.